The following is an entry in ClinVar:

ClinVar aggregate classification (germline): Uncertain significance. Review status: criteria provided, multiple submitters, no conflicts (2 of 4 stars). 2 submissions from 2 submitters: Uncertain significance (2). Last evaluated 2025-11-20.

Conditions:
Townes syndrome (TBS). Also called: Townes-Brocks syndrome. Identifiers: Orphanet 857, MedGen C0265246, MeSH C536974, MONDO:0007142.

Allele frequency attached by ClinVar (database versions not stated): TOPMed below 0.00001; ExAC 0.00001; ESP Exome Variant Server 0.00008.
gnomAD v4.1: 16 of 1,614,104 alleles (0.00099%); highest among the groups gnomAD compares: Non-Finnish European, 0.0014%; no homozygotes.

Submissions (2):

Women's Health and Genetics/Laboratory Corporation of America, LabCorp
Classification: Uncertain significance. Last evaluated: 2025-11-20. Review status: criteria provided, single submitter. Criteria: LabCorp Variant Classification Summary - May 2015. Collection method: clinical testing. Allele origin: germline.
Comment: Variant summary: SALL1 c.1556A>G (p.Asn519Ser) results in a conservative amino acid change in the encoded protein sequence. Algorithms developed to predict the effect of missense changes on protein structure and function are either unavailable or do not agree on the potential impact of this missense change. The variant allele was found at a frequency of 4e-06 in 251496 control chromosomes. The available data on variant occurrences in the general population are insufficient to allow any conclusion about variant significance. To our knowledge, no occurrence of c.1556A>G in individuals affected with SALL1-related conditions and no experimental evidence demonstrating its impact on protein function have been reported. ClinVar contains an entry for this variant (Variation ID: 2070536). Based on the evidence outlined above, the variant was classified as uncertain significance.

Labcorp Genetics (formerly Invitae), Labcorp
Classification: Uncertain significance for Townes syndrome. Last evaluated: 2022-02-22. Review status: criteria provided, single submitter. Criteria: Invitae Variant Classification Sherloc (09022015). Collection method: clinical testing. Allele origin: germline.
Comment: In summary, the available evidence is currently insufficient to determine the role of this variant in disease. Therefore, it has been classified as a Variant of Uncertain Significance. Algorithms developed to predict the effect of missense changes on protein structure and function output the following: SIFT: "Tolerated"; PolyPhen-2: "Benign"; Align-GVGD: "Class C0". The serine amino acid residue is found in multiple mammalian species, which suggests that this missense change does not adversely affect protein function. This variant has not been reported in the literature in individuals affected with SALL1-related conditions. This variant is present in population databases (rs149727960, gnomAD 0.0009%). This sequence change replaces asparagine, which is neutral and polar, with serine, which is neutral and polar, at codon 519 of the SALL1 protein (p.Asn519Ser).

NM_002968.3(SALL1):c.1556A>G (p.Asn519Ser)

Gene: SALL1 (spalt like transcription factor 1; minus strand). Cytogenetic location: 16q12.1.
Variant type: single nucleotide variant.
Coding change: c.1556A>G on transcript NM_002968.3 (MANE Select); coding-DNA position 1556, A replaced by G.
Protein change: p.Asn519Ser; replaces asparagine 519 with serine.
Molecular consequence: missense variant.
Genome position (GRCh38, 1-based): chr16:51,140,666, T>C on the plus strand (A>G on the coding strand, the complement: SALL1 is on the minus strand). VCF-style: chr16-51140666-T-C. GRCh37 (hg19) VCF-style: chr16-51174577-T-C.
Other names: c.1265A>G, p.Asn422Ser (NM_001127892.2); short protein forms N519S, N422S.
Identifiers: ClinVar variation 2070536 (VCV002070536.5), dbSNP rs149727960, ClinGen allele CA8053267.
Genomic context (GRCh38, chr16:51,140,666, plus strand): 5'-GTGACTGGCTTCTCTGGAGGGATGGACATGCCATATGGGATGCCAGTACTCGTGGGGATA[T>C]TGTCCAAATGCTCAGGCACAGGATAGGGGTTCATCTGGATATGAGGGTATTTCTCTTTGT-3'
Protein context (NP_002959.2, residues 509-529): NPYPVPEHLD[Asn519Ser]IPTSTGIPYG